The following is an entry in ClinVar:

ClinVar aggregate classification (germline): Uncertain significance (1 of 4 stars; one submission).

Conditions:
Periodontitis, aggressive. Identifiers: MedGen C0031106, MONDO:0980757.
Haim-Munk syndrome (HMS). Also called: COCHIN JEWISH DISORDER; KERATOSIS PALMOPLANTARIS WITH PERIODONTOPATHIA AND ONYCHOGRYPOSIS. Identifiers: Orphanet 2342, MedGen C1855627, MONDO:0009491, OMIM 245010.
Papillon-Lefèvre syndrome (PALS). Also called: Papillon-Lefevre Disease; KERATOSIS PALMOPLANTARIS WITH PERIODONTOPATHIA. Identifiers: Orphanet 678, MedGen C0030360, MONDO:0009490, OMIM 245000.

Allele frequency attached by ClinVar (database versions not stated): gnomAD 0.00009; gnomAD exomes 0.00002; TOPMed 0.00013; ESP Exome Variant Server 0.00015; ExAC 0.00003.
gnomAD v4.1: 36 of 1,569,598 alleles (0.0023%); highest among the groups gnomAD compares: African/African-American, 0.045%; no homozygotes.

Submission:

Labcorp Genetics (formerly Invitae), Labcorp
Classification: Uncertain significance for Haim-Munk syndrome; Periodontitis, aggressive; Papillon-Lefèvre syndrome. Last evaluated: 2022-02-10. Review status: criteria provided, single submitter. Criteria: Invitae Variant Classification Sherloc (09022015). Collection method: clinical testing. Allele origin: germline.
Comment: This sequence change falls in intron 5 of the CTSC gene. It does not directly change the encoded amino acid sequence of the CTSC protein. It affects a nucleotide within the consensus splice site. This variant is present in population databases (rs377562624, gnomAD 0.03%). This variant has not been reported in the literature in individuals affected with CTSC-related conditions. ClinVar contains an entry for this variant (Variation ID: 652502). Variants that disrupt the consensus splice site are a relatively common cause of aberrant splicing (PMID: 17576681, 9536098). Algorithms developed to predict the effect of sequence changes on RNA splicing suggest that this variant is not likely to affect RNA splicing. In summary, the available evidence is currently insufficient to determine the role of this variant in disease. Therefore, it has been classified as a Variant of Uncertain Significance.

Literature cited by the submitters: PubMed 17576681; PubMed 9536098.

NM_001814.6(CTSC):c.757+5A>G

Gene: CTSC (cathepsin C; minus strand). Cytogenetic location: 11q14.2.
Variant type: single nucleotide variant.
Coding change: c.757+5A>G on transcript NM_001814.6 (MANE Select); 5 bases into the intron after coding-DNA position 757, A replaced by G.
Molecular consequence: intron variant.
Genome position (GRCh38, 1-based): chr11:88,300,525, T>C on the plus strand (A>G on the coding strand, the complement: CTSC is on the minus strand). VCF-style: chr11-88300525-T-C. GRCh37 (hg19) VCF-style: chr11-88033693-T-C.
Identifiers: ClinVar variation 652502 (VCV000652502.6), dbSNP rs377562624, ClinGen allele CA6219875.